The following is an entry in ClinVar:

ClinVar aggregate classification (germline): Uncertain significance. Review status: criteria provided, multiple submitters, no conflicts (2 of 4 stars). 3 submissions from 3 submitters: Uncertain significance (3). Last evaluated 2024-06-25.

Conditions:
Cardiovascular phenotype. Identifiers: MedGen CN230736.

Allele frequency attached by ClinVar (database versions not stated): gnomAD exomes 0.00001.
gnomAD v4.1: 9 of 1,550,178 alleles (0.00058%); highest among the groups gnomAD compares: South Asian, 0.0012%; no homozygotes.

Submissions (3):

Mayo Clinic Laboratories, Mayo Clinic
Classification: Uncertain significance. Last evaluated: 2024-06-25. Review status: criteria provided, single submitter. Criteria: ACMG Guidelines, 2015. Collection method: clinical testing. Allele origin: germline. Observed: 1 variant allele.
Comment: BP4

Ambry Genetics
Classification: Uncertain significance for Cardiovascular phenotype. Last evaluated: 2023-09-06. Review status: criteria provided, single submitter. Criteria: Ambry Variant Classification Scheme 2023. Collection method: clinical testing. Allele origin: germline.
Comment: The p.R2359C variant (also known as c.7075C>T), located in coding exon 2 of the ZNF469 gene, results from a C to T substitution at nucleotide position 7075. The arginine at codon 2359 is replaced by cysteine, an amino acid with highly dissimilar properties. This amino acid position is conserved. In addition, this alteration is predicted to be tolerated by in silico analysis. Since supporting evidence is limited at this time, the clinical significance of this alteration remains unclear.

GeneDx
Classification: Uncertain significance. Last evaluated: 2023-02-09. Review status: criteria provided, single submitter. Criteria: GeneDx Variant Classification Process June 2021. Collection method: clinical testing. Allele origin: germline. Affected: yes.
Comment: Not observed at significant frequency in large population cohorts (gnomAD); In silico analysis supports that this missense variant does not alter protein structure/function; Has not been previously published as pathogenic or benign to our knowledge

NM_001367624.2(ZNF469):c.7159C>T (p.Arg2387Cys)

Gene: ZNF469 (zinc finger protein 469; plus strand). Cytogenetic location: 16q24.2.
Variant type: single nucleotide variant.
Coding change: c.7159C>T on transcript NM_001367624.2 (MANE Select); coding-DNA position 7159, C replaced by T.
Protein change: p.Arg2387Cys; replaces arginine 2387 with cysteine.
Molecular consequence: missense variant.
Genome position (GRCh38, 1-based): chr16:88,434,629, C>T. VCF-style: chr16-88434629-C-T. GRCh37 (hg19) VCF-style: chr16-88501037-C-T.
Other names: p.Arg2387Cys; short protein forms R2387C.
Identifiers: ClinVar variation 320968 (VCV000320968.9), dbSNP rs886052409, ClinGen allele CA10644491.